The following is an entry in ClinVar:

ClinVar aggregate classification (germline): Pathogenic (0 of 4 stars; one submission).

Conditions:
Shwachman-Diamond syndrome 1 (SDS1). Also called: LIPOMATOSIS OF PANCREAS, CONGENITAL. Identifiers: MedGen C4692625, MONDO:0044204, OMIM 260400.

Submission:

Clinical Genetics Branch, National Institutes of Health
Classification: Pathogenic for Shwachman-Diamond syndrome 1. Last evaluated: 2023-03-29. Review status: no assertion criteria provided. Collection method: research. Allele origin: germline. Inheritance: Autosomal recessive inheritance. Affected: yes.
Comment: Presumed loss of function. This very large deletion removes part of intron 4, exon 5 and the 3'UTR of SBDS, and thus is predicted to undergo nonsense mediated decay, and haploinsufficiency from this allele. Additionally, western blotting for SBDS showed significant decrease in protein production from cultured fibroblasts from this patient.

Literature cited by the submitters: PMC 9500118.

NC_000007.14:g.66971410_66990307del

Gene: SBDS (SBDS ribosome maturation factor; minus strand). Cytogenetic location: 7q11.21.
Variant type: Deletion.
Identifiers: ClinVar variation 2498197 (VCV002498197.1).